The following is an entry in ClinVar:

ClinVar aggregate classification (germline): Uncertain significance. Review status: criteria provided, multiple submitters, no conflicts (2 of 4 stars). 2 submissions from 2 submitters: Uncertain significance (2). Last evaluated 2021-11-26.

Conditions:
Myopathy, myosin storage, autosomal recessive (CMYO7B). Also called: CONGENITAL MYOPATHY 7B, MYOSIN STORAGE, AUTOSOMAL RECESSIVE. Identifiers: Orphanet 636970, MedGen C1850709, MONDO:0009708, OMIM 255160.
Hypertrophic cardiomyopathy 1 (CMH1). Also called: MYH7-Related Familial Hypertrophic Cardiomyopathy; Familial hypertrophic cardiomyopathy 1. Identifiers: MedGen C3495498, MONDO:0008647, OMIM 192600.
Myosin storage myopathy (CMYO7A). Also called: MYOPATHY WITH LYSIS OF TYPE I MYOFIBRILS; MYOPATHY, HYALINE BODY, AUTOSOMAL DOMINANT; MYH7-related late-onset scapuloperoneal muscular dystrophy; Congenital myopathy 7A, myosin storage, autosomal dominant; Scapuloperoneal myopathy, MYH7-related; SCAPULOPERONEAL MUSCULAR DYSTROPHY. Identifiers: Orphanet 437572, Orphanet 636965, MedGen C1842160, MONDO:0008409, OMIM 608358.
Congenital myopathy with fiber type disproportion. Also called: Congenital fiber-type disproportion myopathy; Congenital fiber-type disproportion. Identifiers: Orphanet 2020, MedGen C0546264, MONDO:0009711. Inheritance: all.
MYH7-related skeletal myopathy. Also called: Myopathy, distal, 1; MYOPATHY, DISTAL, EARLY-ONSET, AUTOSOMAL DOMINANT; MYOPATHY, LATE DISTAL HEREDITARY; Laing distal myopathy; Laing early-onset distal myopathy. Identifiers: Orphanet 59135, MedGen C4552004, MONDO:0008050, OMIM 160500.
Dilated cardiomyopathy 1S (CMD1S). Identifiers: Orphanet 154, Orphanet 54260, MedGen C1834481, MONDO:0013262, OMIM 613426.
Hypertrophic cardiomyopathy. Also called: HYPERTROPHIC MYOCARDIOPATHY. Identifiers: Orphanet 217569, MedGen C0007194, MeSH D002312, MONDO:0005045, HP:0001639.

Allele frequency attached by ClinVar (database versions not stated): gnomAD exomes below 0.00001.
gnomAD v4.1: 1 of 1,613,630 alleles (0.000062%); highest among the groups gnomAD compares: Non-Finnish European, 0.000085%; no homozygotes.

Submissions (2):

Labcorp Genetics (formerly Invitae), Labcorp
Classification: Uncertain significance for Hypertrophic cardiomyopathy. Last evaluated: 2021-11-26. Review status: criteria provided, single submitter. Criteria: Invitae Variant Classification Sherloc (09022015). Collection method: clinical testing. Allele origin: germline.
Comment: In summary, the available evidence is currently insufficient to determine the role of this variant in disease. Therefore, it has been classified as a Variant of Uncertain Significance. This variant is found within a region of MYH7 between codons 181 and 937 that contains the majority of the myosin head domain. Missense variants in this region have been shown to be significantly overrepresented in individuals with hypertrophic cardiomyopathy (PMID: 27532257). This sequence change replaces leucine, which is neutral and non-polar, with phenylalanine, which is neutral and non-polar, at codon 329 of the MYH7 protein (p.Leu329Phe). This variant is not present in population databases (gnomAD no frequency). This missense change has been observed in individual(s) with hypertrophic cardiomyopathy (PMID: 32815737). ClinVar contains an entry for this variant (Variation ID: 570973). Algorithms developed to predict the effect of missense changes on protein structure and function are either unavailable or do not agree on the potential impact of this missense change (SIFT: "Tolerated"; PolyPhen-2: "Possibly Damaging"; Align-GVGD: "Class C0").

Fulgent Genetics
Classification: Uncertain significance for MYH7-related skeletal myopathy; Myosin storage myopathy; Hypertrophic cardiomyopathy 1; Myopathy, myosin storage, autosomal recessive; Congenital myopathy 4A, autosomal dominant; Dilated cardiomyopathy 1S. Last evaluated: 2021-07-02. Review status: criteria provided, single submitter. Criteria: ACMG Guidelines, 2015. Collection method: clinical testing. Allele origin: unknown.

Literature cited by the submitters: PubMed 27532257 (cited by Labcorp Genetics (formerly Invitae), Labcorp); PubMed 32815737 (cited by Labcorp Genetics (formerly Invitae), Labcorp).

NM_000257.4(MYH7):c.985C>T (p.Leu329Phe)

Gene: MYH7 (myosin heavy chain 7; minus strand). Cytogenetic location: 14q11.2.
Variant type: single nucleotide variant.
Coding change: c.985C>T on transcript NM_000257.4 (MANE Select); coding-DNA position 985, C replaced by T.
Protein change: p.Leu329Phe; replaces leucine 329 with phenylalanine.
Molecular consequence: missense variant.
Genome position (GRCh38, 1-based): chr14:23,430,574, G>A on the plus strand (C>T on the coding strand, the complement: MYH7 is on the minus strand). VCF-style: chr14-23430574-G-A. GRCh37 (hg19) VCF-style: chr14-23899783-G-A.
Other names: short protein forms L329F.
Identifiers: ClinVar variation 570973 (VCV000570973.8), dbSNP rs1566536367, ClinGen allele CA389051615.
Genomic context (GRCh38, chr14:23,430,574, plus strand): 5'-TCACTGCCAATCCTCCCACCCCCTGGCTGGGTCCTCACACACTCACATCAGTGGCCATGA[G>A]CTCCTCAGCGTCATCAATGGAGGCCACGGTGGTCTCTCCTTGGGAGATGAATGCATAATC-3'
Protein context (NP_000248.2, residues 319-339): TVASIDDAEE[Leu329Phe]MATDNAFDVL